The following is an entry in ClinVar:

ClinVar aggregate classification (germline): Pathogenic/Likely pathogenic. Review status: criteria provided, multiple submitters, no conflicts (2 of 4 stars). 4 submissions from 4 submitters: Pathogenic (2); Likely pathogenic (1). 1 of the submissions does not count toward it. Last evaluated 2026-06-01.

Conditions:
Citrullinemia. Identifiers: Orphanet 187, MedGen C0175683, MONDO:0015991.
Citrullinemia type I (CTNL1). Also called: ASS DEFICIENCY; argininosuccinate synthetase deficiency. Identifiers: Orphanet 247525, MedGen C4721769, MONDO:0008988, OMIM 215700.

Submissions (4):

CeGaT Center for Human Genetics Tuebingen
Classification: Pathogenic. Last evaluated: 2026-06-01. Review status: criteria provided, single submitter. Criteria: CeGaT Center For Human Genetics Tuebingen Variant Classification Criteria Version 2. Collection method: clinical testing. Allele origin: germline. Affected: yes. Observed: 1 variant allele.
Comment: ASS1: PVS1, PM2

Labcorp Genetics (formerly Invitae), Labcorp
Classification: Pathogenic for Citrullinemia. Last evaluated: 2021-11-05. Review status: criteria provided, single submitter. Criteria: Invitae Variant Classification Sherloc (09022015). Collection method: clinical testing. Allele origin: germline.
Comment: For these reasons, this variant has been classified as Pathogenic. ClinVar contains an entry for this variant (Variation ID: 550398). This variant has not been reported in the literature in individuals affected with ASS1-related conditions. This variant is not present in population databases (gnomAD no frequency). This sequence change creates a premature translational stop signal (p.Gln138Profs*12) in the ASS1 gene. It is expected to result in an absent or disrupted protein product. Loss-of-function variants in ASS1 are known to be pathogenic (PMID: 18473344, 19006241).

Baylor Genetics
Classification: Likely pathogenic for Citrullinemia type I. Review status: criteria provided, single submitter. Criteria: ACMG Guidelines, 2015. Collection method: clinical testing. Allele origin: germline.

Counsyl
Classification: Likely pathogenic for Citrullinemia type I. Last evaluated: 2017-01-24. Review status: no assertion criteria provided. Collection method: clinical testing. Allele origin: unknown. Not counted in ClinVar's aggregate classification.

Literature cited by the submitters: PubMed 18473344 (cited by Labcorp Genetics (formerly Invitae), Labcorp); PubMed 19006241 (cited by Labcorp Genetics (formerly Invitae), Labcorp).

NM_054012.4(ASS1):c.412dup (p.Gln138fs)

Gene: ASS1 (argininosuccinate synthase 1; plus strand). Cytogenetic location: 9q34.11.
Variant type: Duplication.
Coding change: c.412dup on transcript NM_054012.4 (MANE Select); coding-DNA position 412, one base duplicated (C; older notation c.412dupC).
Protein change: p.Gln138fs; shifts the reading frame from glutamine 138.
Molecular consequence: frameshift variant.
Genome position (GRCh38, 1-based): chr9:130,464,159, C duplicated; the last of 6 consecutive C bases (chr9:130,464,154-130,464,159); duplicating any one gives the same sequence. VCF-style (leftmost placement, unchanged base first): chr9-130464153-G-GC. GRCh37 (hg19) VCF-style: chr9-133339540-G-GC.
Other names: c.412dupC (NM_000050.4); c.412dup, p.Gln138fs (NM_000050.4); short protein forms Q138fs.
Identifiers: ClinVar variation 550398 (VCV000550398.11), dbSNP rs1554983717, ClinGen allele CA658821711.